The following is an entry in ClinVar:

ClinVar aggregate classification (germline): Uncertain significance (1 of 4 stars; one submission).

Submission:

GeneDx
Classification: Uncertain significance. Last evaluated: 2024-04-15. Review status: criteria provided, single submitter. Criteria: GeneDx Variant Classification Process June 2021. Collection method: clinical testing. Allele origin: germline. Affected: yes.
Comment: Not observed at significant frequency in large population cohorts (gnomAD); In silico analysis supports that this missense variant has a deleterious effect on protein structure/function; Has not been previously published as pathogenic or benign to our knowledge

NM_006924.5(SRSF1):c.108C>G (p.Phe36Leu)

Gene: SRSF1 (serine and arginine rich splicing factor 1; minus strand). Cytogenetic location: 17q22.
Variant type: single nucleotide variant.
Coding change: c.108C>G on transcript NM_006924.5 (MANE Select); coding-DNA position 108, C replaced by G.
Protein change: p.Phe36Leu; replaces phenylalanine 36 with leucine.
Molecular consequence: missense variant. On other transcripts: non-coding transcript variant (2).
Genome position (GRCh38, 1-based): chr17:58,007,030, G>C on the plus strand (C>G on the coding strand, the complement: SRSF1 is on the minus strand). VCF-style: chr17-58007030-G-C. GRCh37 (hg19) VCF-style: chr17-56084391-G-C.
Other names: c.108C>G, p.Phe36Leu (NM_001078166.2); short protein forms F36L.
Identifiers: ClinVar variation 3372443 (VCV003372443.1).